The following is an entry in ClinVar:

ClinVar aggregate classification (germline): Likely pathogenic. Review status: criteria provided, single submitter (1 of 4 stars). 2 submissions from 2 submitters: Likely pathogenic (1). 1 of the submissions does not count toward it. Last evaluated 2024-11-11.

Conditions:
Autosomal recessive inherited pseudoxanthoma elasticum (PXE). Identifiers: Orphanet 758, MedGen CN032334, MONDO:0009925, OMIM 264800.

Submissions (2):

Labcorp Genetics (formerly Invitae), Labcorp
Classification: Likely pathogenic. Last evaluated: 2024-11-11. Review status: criteria provided, single submitter. Criteria: Invitae Variant Classification Sherloc (09022015). Collection method: clinical testing. Allele origin: germline.
Comment: This variant results in the deletion of part of exon 15 (c.1892_1943+26del) of the ABCC6 gene. It is expected to disrupt RNA splicing. Variants that disrupt the donor or acceptor splice site typically lead to a loss of protein function (PMID: 16199547), and loss-of-function variants in ABCC6 are known to be pathogenic (PMID: 11536079, 17617515). This variant is not present in population databases (gnomAD no frequency). This variant has not been reported in the literature in individuals affected with ABCC6-related conditions. ClinVar contains an entry for this variant (Variation ID: 433447). In summary, the currently available evidence indicates that the variant is pathogenic, but additional data are needed to prove that conclusively. Therefore, this variant has been classified as Likely Pathogenic.

PXE International
Classification: Likely pathogenic for Autosomal recessive inherited pseudoxanthoma elasticum. Last evaluated: 2021-03-12. Review status: no assertion criteria provided. Collection method: research. Allele origin: germline. Inheritance: Autosomal recessive inheritance. Affected: yes. Observed: 1 variant allele. Not counted in ClinVar's aggregate classification.

Literature cited by the submitters: PubMed 16199547 (cited by Labcorp Genetics (formerly Invitae), Labcorp); PubMed 11536079 (cited by Labcorp Genetics (formerly Invitae), Labcorp); PubMed 17617515 (cited by Labcorp Genetics (formerly Invitae), Labcorp).

NM_001171.6(ABCC6):c.1892_1943+26del

Gene: ABCC6 (ATP binding cassette subfamily C member 6; minus strand). Cytogenetic location: 16p13.11.
Variant type: Deletion.
Coding change: c.1892_1943+26del on transcript NM_001171.6 (MANE Select); coding-DNA position 1892 through 26 bases into the intron after coding-DNA position 1943, 78 bases deleted.
Molecular consequence: splice donor variant.
Genome position (GRCh38, 1-based): chr16:16,184,933-16,185,010, 78 bases deleted. GRCh37 (hg19): chr16:16,278,794-16,278,871.
Other names: c.1892_1943+26del78 (NM_001171.5); c.1550_1601+26del (NM_001351800.1).
Identifiers: ClinVar variation 433447 (VCV000433447.5), dbSNP rs1555513581, ClinGen allele CA645372593.